The following is an entry in ClinVar:

ClinVar aggregate classification (germline): Pathogenic (1 of 4 stars; one submission).

Conditions:
Neurofibromatosis, type 1 (NF1). Also called: NEUROFIBROMATOSIS, TYPE I, SOMATIC; Peripheral type neurofibromatosis; Neurofibromatosis, type I; VON RECKLINGHAUSEN DISEASE. Identifiers: Orphanet 636, MedGen C0027831, MONDO:0018975, OMIM 162200. Disease mechanism: loss of function.

Submission:

Labcorp Genetics (formerly Invitae), Labcorp
Classification: Pathogenic for Neurofibromatosis, type 1. Last evaluated: 2025-10-23. Review status: criteria provided, single submitter. Criteria: Invitae Variant Classification Sherloc (09022015). Collection method: clinical testing. Allele origin: germline.
Comment: This variant occurs in a non-coding region of the NF1 gene. It does not change the encoded amino acid sequence of the NF1 protein. This variant is not present in population databases (gnomAD no frequency). This variant has been observed in individual(s) with NF1-related conditions (internal data). In at least one individual the variant was observed to be de novo. Invitae Evidence Modeling of clinical and family history, age, sex, and reported ancestry of multiple individuals with this NF1 variant has been performed. This variant is expected to be pathogenic with a positive predictive value of at least 99%. This is a validated machine learning model that incorporates the clinical features of 1,785,918 individuals referred to our laboratory for NF1 testing. ClinVar contains an entry for this variant (Variation ID: 1404731). Experimental studies and prediction algorithms are not available or were not evaluated, and the functional significance of this variant is currently unknown. For these reasons, this variant has been classified as Pathogenic.

NM_001042492.3(NF1):c.-273A>G

Genes: MIR4733HG (MIR4733 host gene; minus strand), NF1 (neurofibromin 1; plus strand), LOC111811965 (NF1 (neurofibromin 1) promoter region; plus strand). Cytogenetic location: 17q11.2.
Variant type: single nucleotide variant.
Coding change: c.-273A>G on transcript NM_001042492.3 (MANE Select); 273 bases upstream of the start codon, A replaced by G.
Molecular consequence: 5 prime UTR variant.
Genome position (GRCh38, 1-based): chr17:31,095,037, A>G. VCF-style: chr17-31095037-A-G. GRCh37 (hg19) VCF-style: chr17-29422055-A-G.
Other names: c.-273A>G (NM_000267.4, NM_001128147.3).
Identifiers: ClinVar variation 1404731 (VCV001404731.6), dbSNP rs2143139374, ClinGen allele CA2573153205.
Genomic context (GRCh38, chr17:31,095,037, plus strand): 5'-ACTTCCGGTGGGGTGTCATGGCGGCGTCTCGGACTGTGATGGCTGTGGGGAGACGGCGCT[A>G]GTGGGGAGAGCGACCAAGAGGCCCCCTCCCCTCCCCGGGTCCCCTTCCCCTATCCCCCTC-3'